The following is an entry in ClinVar:

NM_001146079.2(CLDN14):c.361G>A (p.Gly121Ser)

Genes: CLDN14 (claudin 14; minus strand), CLDN14-AS1 (CLDN14 antisense RNA 1; plus strand). Cytogenetic location: 21q22.13.
Variant type: single nucleotide variant.
Coding change: c.361G>A on transcript NM_001146079.2 (MANE Select); coding-DNA position 361, G replaced by A.
Protein change: p.Gly121Ser; replaces glycine 121 with serine.
Molecular consequence: missense variant.
Genome position (GRCh38, 1-based): chr21:36,461,335, C>T on the plus strand (G>A on the coding strand, the complement: CLDN14 is on the minus strand). VCF-style: chr21-36461335-C-T. GRCh37 (hg19) VCF-style: chr21-37833633-C-T.
Other names: c.361G>A (NM_144492.2); c.361G>A, p.Gly121Ser (NM_001146077.2, NM_001146078.3, NM_012130.4 and 1 more transcripts); short protein forms G121S.
Identifiers: ClinVar variation 3145463 (VCV003145463.3), dbSNP rs150201704, ClinGen allele CA10019279.

ClinVar aggregate classification (germline): Uncertain significance. Review status: criteria provided, multiple submitters, no conflicts (2 of 4 stars). 3 submissions from 3 submitters: Uncertain significance (3). Last evaluated 2026-04-23.

Conditions:
Inborn genetic diseases. Identifiers: MedGen C0950123, MeSH D030342.

Allele frequency attached by ClinVar (database versions not stated): ExAC 0.00007; gnomAD 0.00019; ESP Exome Variant Server 0.00023; TOPMed 0.00024; 1000 Genomes Project 30x 0.00016; 1000 Genomes Project 0.00020; gnomAD exomes 0.00018.
gnomAD v4.1: 306 of 1,613,572 alleles (0.019%); highest among the groups gnomAD compares: Non-Finnish European, 0.022%; 1 homozygote.

Submissions (3):

GeneDx
Classification: Uncertain significance. Last evaluated: 2026-04-23. Review status: criteria provided, single submitter. Criteria: GeneDx Variant Classification Process June 2021. Collection method: clinical testing. Allele origin: germline.
Comment: In silico analysis suggests that this missense variant does not alter protein structure/function; Has not been previously published as pathogenic or benign to our knowledge

Blueprint Genetics
Classification: Uncertain significance. Last evaluated: 2024-07-18. Review status: criteria provided, single submitter. Criteria: ACMG Guidelines, 2015. Collection method: clinical testing. Allele origin: germline.

Ambry Genetics
Classification: Uncertain significance for Inborn genetic diseases. Last evaluated: 2022-11-30. Review status: criteria provided, single submitter. Criteria: Ambry Variant Classification Scheme 2023. Collection method: clinical testing. Allele origin: germline.